The following is an entry in ClinVar:

ClinVar aggregate classification (germline): Uncertain significance. Review status: criteria provided, multiple submitters, no conflicts (2 of 4 stars). 6 submissions from 6 submitters: Uncertain significance (5). 1 of the submissions does not count toward it. Last evaluated 2026-06-29.

Conditions:
Nephronophthisis. Also called: Juvenile Nephronophthisis. Identifiers: Orphanet 655, MedGen C0687120, MONDO:0019005, HP:0000090.
Meckel-Gruber syndrome. Also called: DYSENCEPHALIA SPLANCHNOCYSTICA; GRUBER SYNDROME; Dysencephalia splachnocystica. Identifiers: Orphanet 564, MedGen C0265215, MONDO:0018921.
Joubert syndrome. Also called: Familial aplasia of the vermis; JOUBERT-BOLTSHAUSER SYNDROME. Identifiers: Orphanet 475, MedGen C5979921, MONDO:0018772.
Leber congenital amaurosis (LCA). Also called: Leber's amaurosis. Identifiers: Orphanet 65, MedGen C0339527, MeSH D057130, MONDO:0018998.
CEP290-related disorder. Also called: CEP290-related disorders; CEP290-related condition. Identifiers: MedGen CN239314.
Inborn genetic diseases. Identifiers: MedGen C0950123, MeSH D030342.

Allele frequency attached by ClinVar (database versions not stated): gnomAD exomes below 0.00001; gnomAD 0.00004 and 0.00005; TOPMed 0.00010.
gnomAD v4.1: 9 of 1,590,198 alleles (0.00057%); highest among the groups gnomAD compares: Admixed American, 0.016%; 1 homozygote.

Submissions (6):

PreventionGenetics, part of Exact Sciences
Classification: Uncertain significance for CEP290-related condition. Last evaluated: 2026-06-29. Review status: criteria provided, single submitter. Criteria: ACMG Guidelines, 2015. Collection method: clinical testing. Allele origin: germline.
Comment: The CEP290 c.6191A>G variant is predicted to result in the amino acid substitution p.Glu2064Gly. To our knowledge, this variant has not been reported in the literature or in a large population database (gnomAD), indicating this variant is rare. At this time, the clinical significance of this variant is uncertain due to the absence of conclusive functional and genetic evidence.

GeneDx
Classification: Uncertain significance. Last evaluated: 2026-01-24. Review status: criteria provided, single submitter. Criteria: GeneDx Variant Classification Process June 2021. Collection method: clinical testing. Allele origin: germline.
Comment: Not observed at significant frequency in large population cohorts (gnomAD); In silico analysis supports that this missense variant has a deleterious effect on protein structure/function; Has not been previously published as pathogenic or benign to our knowledge

Ambry Genetics
Classification: Uncertain significance for Inborn genetic diseases. Last evaluated: 2023-12-04. Review status: criteria provided, single submitter. Criteria: Ambry Variant Classification Scheme 2023. Collection method: clinical testing. Allele origin: germline.

Labcorp Genetics (formerly Invitae), Labcorp
Classification: Uncertain significance for Joubert syndrome; Meckel-Gruber syndrome; Nephronophthisis. Last evaluated: 2022-06-13. Review status: criteria provided, single submitter. Criteria: Invitae Variant Classification Sherloc (09022015). Collection method: clinical testing. Allele origin: germline.
Comment: This sequence change replaces glutamic acid, which is acidic and polar, with glycine, which is neutral and non-polar, at codon 2064 of the CEP290 protein (p.Glu2064Gly). This variant is not present in population databases (gnomAD no frequency). This variant has not been reported in the literature in individuals affected with CEP290-related conditions. ClinVar contains an entry for this variant (Variation ID: 595421). Algorithms developed to predict the effect of missense changes on protein structure and function (SIFT, PolyPhen-2, Align-GVGD) all suggest that this variant is likely to be disruptive. In summary, the available evidence is currently insufficient to determine the role of this variant in disease. Therefore, it has been classified as a Variant of Uncertain Significance.

Eurofins Ntd Llc (ga)
Classification: Uncertain significance. Last evaluated: 2017-12-21. Review status: criteria provided, single submitter. Criteria: EGL Classification Definitions 2015. Collection method: clinical testing. Allele origin: germline. Observed: 1 variant allele, 1 heterozygote.

Natera, Inc.
Classification: Uncertain significance for Leber congenital amaurosis. Last evaluated: 2020-09-10. Review status: no assertion criteria provided. Collection method: clinical testing. Allele origin: germline. Not counted in ClinVar's aggregate classification.

NM_025114.4(CEP290):c.6191A>G (p.Glu2064Gly)

Gene: CEP290 (centrosomal protein 290; minus strand). Cytogenetic location: 12q21.32.
Variant type: single nucleotide variant.
Coding change: c.6191A>G on transcript NM_025114.4 (MANE Select); coding-DNA position 6191, A replaced by G.
Protein change: p.Glu2064Gly; replaces glutamic acid 2064 with glycine.
Molecular consequence: missense variant.
Genome position (GRCh38, 1-based): chr12:88,064,060, T>C on the plus strand (A>G on the coding strand, the complement: CEP290 is on the minus strand). VCF-style: chr12-88064060-T-C. GRCh37 (hg19) VCF-style: chr12-88457837-T-C.
Other names: c.6191A>G (NM_025114.3); short protein forms E2064G.
Identifiers: ClinVar variation 595421 (VCV000595421.13), dbSNP rs987259388, ClinGen allele CA241148052.